The following is an entry in ClinVar:

NM_024411.5(PDYN):c.34del (p.Leu12fs)

Genes: PDYN (prodynorphin; minus strand), PDYN-AS1 (PDYN antisense RNA 1; plus strand). Cytogenetic location: 20p13.
Variant type: Deletion.
Coding change: c.34del on transcript NM_024411.5 (MANE Select); coding-DNA position 34, one base deleted (C; older notation c.34delC).
Protein change: p.Leu12fs; shifts the reading frame from leucine 12.
Molecular consequence: frameshift variant.
Genome position (GRCh38, 1-based): chr20:1,983,051, G deleted on the plus strand (C on the coding strand, the reverse complement: PDYN is on the minus strand); the first of 2 consecutive G bases (chr20:1,983,051-1,983,052); deleting either gives the same sequence. VCF-style (leftmost placement, unchanged base first): chr20-1983050-AG-A. GRCh37 (hg19) VCF-style: chr20-1963696-AG-A.
Other names: c.34del, p.Leu12fs (NM_001190892.1, NM_001190898.3, NM_001190899.2 and 1 more transcripts); short protein forms L12fs.
Identifiers: ClinVar variation 436283 (VCV000436283.9), dbSNP rs761385412, ClinGen allele CA9730400.
Genomic context (GRCh38, chr20:1,983,050, plus strand): 5'-TTTACAGCACACAAGGAGCACCGCGACAGGCAGTCCGCTGTGGTGGAGGGGAACATGAGG[AG>A]GCAGGCAGCCAGGACCAGCCCCTGCCAGGCCATCCTGTCTCAGCAATTCCTGCTGGGGAG-3'

ClinVar aggregate classification (germline): Uncertain significance. Review status: criteria provided, multiple submitters, no conflicts (2 of 4 stars). 2 submissions from 2 submitters: Uncertain significance (2). Last evaluated 2023-05-11.

Submissions (2):

Labcorp Genetics (formerly Invitae), Labcorp
Classification: Uncertain significance. Last evaluated: 2023-05-11. Review status: criteria provided, single submitter. Criteria: Invitae Variant Classification Sherloc (09022015). Collection method: clinical testing. Allele origin: germline.
Comment: This sequence change creates a premature translational stop signal (p.Leu12Serfs*20) in the PDYN gene. While this is not anticipated to result in nonsense mediated decay, it is expected to disrupt the last 243 amino acid(s) of the PDYN protein. This variant is present in population databases (rs761385412, gnomAD 0.04%), and has an allele count higher than expected for a pathogenic variant. This variant has not been reported in the literature in individuals affected with PDYN-related conditions. ClinVar contains an entry for this variant (Variation ID: 436283). In summary, the available evidence is currently insufficient to determine the role of this variant in disease. Therefore, it has been classified as a Variant of Uncertain Significance.

Genetic Services Laboratory, University of Chicago
Classification: Uncertain significance. Last evaluated: 2017-05-01. Review status: criteria provided, single submitter. Criteria: ACMG Guidelines, 2015. Collection method: clinical testing. Allele origin: germline. Affected: no.